The following is an entry in ClinVar:

ClinVar aggregate classification (germline): Uncertain significance. Review status: criteria provided, multiple submitters, no conflicts (2 of 4 stars). 2 submissions from 2 submitters: Uncertain significance (2). Last evaluated 2024-04-11.

Conditions:
Hereditary cancer-predisposing syndrome. Also called: Hereditary Cancer Syndrome; Hereditary neoplastic syndrome; Neoplastic Syndromes, Hereditary; Tumor predisposition. Identifiers: Orphanet 140162, MedGen C0027672, MeSH D009386, MONDO:0015356.
Retinoblastoma (RB1). Also called: RETINOBLASTOMA, SOMATIC. Identifiers: Orphanet 790, MedGen C0035335, MeSH D012175, MONDO:0008380, OMIM 180200, HP:0009919. Disease mechanism: loss of function. Inheritance: Both sporadic and heritable forms are tested..

Submissions (2):

Ambry Genetics
Classification: Uncertain significance for Hereditary cancer-predisposing syndrome. Last evaluated: 2024-04-11. Review status: criteria provided, single submitter. Criteria: Ambry Variant Classification Scheme 2023. Collection method: clinical testing. Allele origin: germline.
Comment: The p.P20S variant (also known as c.58C>T), located in coding exon 1 of the RB1 gene, results from a C to T substitution at nucleotide position 58. The proline at codon 20 is replaced by serine, an amino acid with similar properties. This amino acid position is conserved. In addition, the in silico prediction for this alteration is inconclusive. Since supporting evidence is limited at this time, the clinical significance of this alteration remains unclear.

All of Us Research Program, National Institutes of Health
Classification: Uncertain significance for Retinoblastoma. Last evaluated: 2023-03-04. Review status: criteria provided, single submitter. Criteria: ACMG Guidelines, 2015. Collection method: clinical testing. Allele origin: germline. Inheritance: Autosomal dominant inheritance. Observed: 1 variant allele, 1 heterozygote.
Comment: This study involves interpretation of variants in research participants for the purpose of population health screening. Participant phenotype was not available at the time of variant classification. Additional details can be found in publication PMID: 35346344, PMCID: PMC8962531

NM_000321.3(RB1):c.58C>T (p.Pro20Ser)

Gene: RB1 (RB transcriptional corepressor 1; plus strand). Cytogenetic location: 13q14.2.
Variant type: single nucleotide variant.
Coding change: c.58C>T on transcript NM_000321.3 (MANE Select); coding-DNA position 58, C replaced by T.
Protein change: p.Pro20Ser; replaces proline 20 with serine.
Molecular consequence: missense variant.
Genome position (GRCh38, 1-based): chr13:48,303,970, C>T. VCF-style: chr13-48303970-C-T. GRCh37 (hg19) VCF-style: chr13-48878106-C-T.
Other names: c.58C>T, p.Pro20Ser (NM_001407165.1, NM_001407166.1, NM_001407167.1); short protein forms P20S.
Identifiers: ClinVar variation 1750384 (VCV001750384.4), dbSNP rs1297224382, ClinGen allele CA388250242.